The following is an entry in ClinVar:

ClinVar aggregate classification (germline): Uncertain significance. Review status: criteria provided, multiple submitters, no conflicts (2 of 4 stars). 3 submissions from 3 submitters: Uncertain significance (3). Last evaluated 2025-10-09.

Conditions:
Hereditary cancer-predisposing syndrome. Also called: Hereditary neoplastic syndrome; Neoplastic Syndromes, Hereditary; Tumor predisposition; Hereditary Cancer Syndrome. Identifiers: Orphanet 140162, MedGen C0027672, MeSH D009386, MONDO:0015356.
Familial cancer of breast. Also called: Hereditary breast cancer; hereditary breast carcinoma; BREAST CANCER, FAMILIAL. Identifiers: Orphanet 227535, MedGen C0346153, MONDO:0016419, OMIM 114480. Disease mechanism: loss of function.

Submissions (3):

Labcorp Genetics (formerly Invitae), Labcorp
Classification: Uncertain significance for Familial cancer of breast. Last evaluated: 2025-10-09. Review status: criteria provided, single submitter. Criteria: Invitae Variant Classification Sherloc (09022015). Collection method: clinical testing. Allele origin: germline.
Comment: This sequence change creates a premature translational stop signal (p.Leu772*) in the BARD1 gene. While this is not anticipated to result in nonsense mediated decay, it is expected to disrupt the last 6 amino acid(s) of the BARD1 protein. This variant is not present in population databases (gnomAD no frequency). This variant has not been reported in the literature in individuals affected with BARD1-related conditions. ClinVar contains an entry for this variant (Variation ID: 1320514). Experimental studies and prediction algorithms are not available or were not evaluated, and the functional significance of this variant is currently unknown. In summary, the available evidence is currently insufficient to determine the role of this variant in disease. Therefore, it has been classified as a Variant of Uncertain Significance.

GeneDx
Classification: Uncertain significance. Last evaluated: 2022-04-06. Review status: criteria provided, single submitter. Criteria: GeneDx Variant Classification Process June 2021. Collection method: clinical testing. Allele origin: germline. Affected: yes.
Comment: Nonsense variant predicted to result in protein truncation as the last 6 amino acids are lost, although loss-of-function variants have not been reported downstream of this position in the protein in the Human Genetic Mutation Database or at GeneDx (HGMD); Not observed at significant frequency in large population cohorts (gnomAD); Has not been previously published as pathogenic or benign to our knowledge

Ambry Genetics
Classification: Uncertain significance for Hereditary cancer-predisposing syndrome. Last evaluated: 2015-10-18. Review status: criteria provided, single submitter. Criteria: Ambry Variant Classification Scheme 2023. Collection method: clinical testing. Allele origin: germline.
Comment: The p.L772* pathogenic mutation (also known as c.2315T>A), located in coding exon 11 of the BARD1 gene, results from a T to A substitution at nucleotide position 2315. This changes the amino acid from a leucine to a stop codon within coding exon 11. Per ACMG guidelines this variant could be interpreted as a disease-causing mutation (ACMG Recommendations for Standards for Interpretation and Reporting of Sequence Variations. Revision 2007. Genet Med. 2008;10:294); however, this truncation occurs at the 3' terminus of BARD1 and impacts only the last 6 amino acids of the protein. The exact functional impact of these deleted amino acids is unknown at this time. Since supporting evidence is limited at this time, the clinical significance of p.L772* remains unclear.

NM_000465.4(BARD1):c.2315T>A (p.Leu772Ter)

Gene: BARD1 (BRCA1 associated RING domain 1; minus strand). Cytogenetic location: 2q35.
Variant type: single nucleotide variant.
Coding change: c.2315T>A on transcript NM_000465.4 (MANE Select); coding-DNA position 2315, T replaced by A.
Protein change: p.Leu772Ter; replaces leucine 772 with a stop codon.
Molecular consequence: nonsense. On other transcripts: non-coding transcript variant (3).
Genome position (GRCh38, 1-based): chr2:214,728,695, A>T on the plus strand (T>A on the coding strand, the complement: BARD1 is on the minus strand). VCF-style: chr2-214728695-A-T. GRCh37 (hg19) VCF-style: chr2-215593419-A-T.
Other names: c.2258T>A, p.Leu753Ter (NM_001282543.2); c.962T>A, p.Leu321Ter (NM_001282545.2); c.905T>A, p.Leu302Ter (NM_001282548.2); c.776T>A, p.Leu259Ter (NM_001282549.2); short protein forms L259*, L302*, L321*, L753*, L772*.
Identifiers: ClinVar variation 1320514 (VCV001320514.6), dbSNP rs2105986144, ClinGen allele CA350449712.